The following is an entry in ClinVar:

ClinVar aggregate classification (germline): Uncertain significance (1 of 4 stars; one submission).

Conditions:
Baller-Gerold syndrome (BGS). Also called: CRANIOSYNOSTOSIS WITH RADIAL DEFECTS. Identifiers: Orphanet 1225, MedGen C0265308, MONDO:0009039, OMIM 218600.

Allele frequency attached by ClinVar (database versions not stated): gnomAD exomes below 0.00001.
gnomAD v4.1: 4 of 1,607,816 alleles (0.00025%); highest among the groups gnomAD compares: Non-Finnish European, 0.00034%; no homozygotes.

Submission:

Labcorp Genetics (formerly Invitae), Labcorp
Classification: Uncertain significance for Baller-Gerold syndrome. Last evaluated: 2022-01-14. Review status: criteria provided, single submitter. Criteria: Invitae Variant Classification Sherloc (09022015). Collection method: clinical testing. Allele origin: germline.
Comment: In summary, the available evidence is currently insufficient to determine the role of this variant in disease. Therefore, it has been classified as a Variant of Uncertain Significance. This variant has not been reported in the literature in individuals affected with RECQL4-related conditions. Experimental studies and prediction algorithms are not available or were not evaluated, and the functional significance of this variant is currently unknown. This variant is not present in population databases (gnomAD no frequency). This sequence change replaces tryptophan, which is neutral and slightly polar, with arginine, which is basic and polar, at codon 1012 of the RECQL4 protein (p.Trp1012Arg).

NM_004260.4(RECQL4):c.3034T>C (p.Trp1012Arg)

Gene: RECQL4 (RecQ like helicase 4; minus strand). Cytogenetic location: 8q24.3.
Variant type: single nucleotide variant.
Coding change: c.3034T>C on transcript NM_004260.4 (MANE Select); coding-DNA position 3034, T replaced by C.
Protein change: p.Trp1012Arg; replaces tryptophan 1012 with arginine.
Molecular consequence: missense variant.
Genome position (GRCh38, 1-based): chr8:144,512,413, A>G on the plus strand (T>C on the coding strand, the complement: RECQL4 is on the minus strand). VCF-style: chr8-144512413-A-G. GRCh37 (hg19) VCF-style: chr8-145737796-A-G.
Other names: c.2740T>C, p.Trp914Arg (NM_001413017.1); c.2836T>C, p.Trp946Arg (NM_001413018.1); c.3109T>C, p.Trp1037Arg (NM_001413019.1); c.2938T>C, p.Trp980Arg (NM_001413020.1); c.1963T>C, p.Trp655Arg (NM_001413021.1, NM_001413022.1, NM_001413024.1 and 4 more transcripts); c.2038T>C, p.Trp680Arg (NM_001413023.1); c.2905T>C, p.Trp969Arg (NM_001413025.1); c.1897T>C, p.Trp633Arg (NM_001413027.1, NM_001413030.1, NM_001413032.1); and 9 more; short protein forms W680R, W895R, W523R, W645R, W655R, W1012R, W633R, W658R.
Identifiers: ClinVar variation 2080899 (VCV002080899.4), dbSNP rs2537984349, ClinGen allele CA372671234.
Genomic context (GRCh38, chr8:144,512,413, plus strand): 5'-GGCAGCGTCCAGGGCGGTGTGGGGTGGGGAGAGGCGCACCTGTCCTGGGCTCGTGGTCCC[A>G]CTGCAGCTGGCAGAGAGCCCGCCGCACAGAGGCCAGCTCCCAGCCCATGGAGTCCACCAG-3'
Protein context (NP_004251.4, residues 1002-1022): SVRRALCQLQ[Trp1012Arg]DHEPRTGVRR